The following is an entry in ClinVar:

ClinVar aggregate classification (germline): Likely pathogenic (1 of 4 stars; one submission).

Submission:

Labcorp Genetics (formerly Invitae), Labcorp
Classification: Likely pathogenic. Last evaluated: 2024-02-24. Review status: criteria provided, single submitter. Criteria: Invitae Variant Classification Sherloc (09022015). Collection method: clinical testing. Allele origin: germline.
Comment: This sequence change affects a splice site in intron 2 of the FH gene. It is expected to disrupt RNA splicing. Variants that disrupt the donor or acceptor splice site typically lead to a loss of protein function (PMID: 16199547), and loss-of-function variants in FH are known to be pathogenic (PMID: 11865300, 21398687). This variant is not present in population databases (gnomAD no frequency). This variant has not been reported in the literature in individuals affected with FH-related conditions. ClinVar contains an entry for this variant (Variation ID: 1499090). Algorithms developed to predict the effect of sequence changes on RNA splicing suggest that this variant may disrupt the consensus splice site. In summary, the currently available evidence indicates that the variant is pathogenic, but additional data are needed to prove that conclusively. Therefore, this variant has been classified as Likely Pathogenic.

Literature cited by the submitters: PubMed 16199547; PubMed 11865300; PubMed 21398687.

NM_000143.4(FH):c.268-3_268-2del

Gene: FH (fumarate hydratase; minus strand). Cytogenetic location: 1q43.
Variant type: Deletion.
Coding change: c.268-3_268-2del on transcript NM_000143.4 (MANE Select); 3 bases into the intron before coding-DNA position 268 through the canonical splice acceptor site of the intron before coding-DNA position 268, 2 bases deleted (TA; older notation c.268-3_268-2delTA).
Molecular consequence: splice acceptor variant.
Genome position (GRCh38, 1-based): chr1:241,513,715-241,513,716, TA deleted on the plus strand (TA on the coding strand, the reverse complement: FH is on the minus strand). VCF-style (leftmost placement, unchanged base first): chr1-241513714-CTA-C. GRCh37 (hg19) VCF-style: chr1-241677014-CTA-C.
Identifiers: ClinVar variation 1499090 (VCV001499090.8), dbSNP rs2147923117, ClinGen allele CA2573132914.